The following is an entry in ClinVar:

ClinVar aggregate classification (germline): Uncertain significance (1 of 4 stars; one submission).

Submission:

Labcorp Genetics (formerly Invitae), Labcorp
Classification: Uncertain significance. Last evaluated: 2024-01-07. Review status: criteria provided, single submitter. Criteria: Invitae Variant Classification Sherloc (09022015). Collection method: clinical testing. Allele origin: germline.
Comment: This sequence change replaces alanine, which is neutral and non-polar, with glutamic acid, which is acidic and polar, at codon 161 of the MECOM protein (p.Ala161Glu). This variant is not present in population databases (gnomAD no frequency). This variant has not been reported in the literature in individuals affected with MECOM-related conditions. An algorithm developed to predict the effect of missense changes on protein structure and function (PolyPhen-2) suggests that this variant is likely to be disruptive. In summary, the available evidence is currently insufficient to determine the role of this variant in disease. Therefore, it has been classified as a Variant of Uncertain Significance.

NM_004991.4(MECOM):c.1046C>A (p.Ala349Glu)

Gene: MECOM (MDS1 and EVI1 complex locus; minus strand). Cytogenetic location: 3q26.2.
Variant type: single nucleotide variant.
Coding change: c.1046C>A on transcript NM_004991.4 (MANE Select); coding-DNA position 1046, C replaced by A.
Protein change: p.Ala349Glu; replaces alanine 349 with glutamic acid.
Molecular consequence: missense variant.
Genome position (GRCh38, 1-based): chr3:169,121,142, G>T on the plus strand (C>A on the coding strand, the complement: MECOM is on the minus strand). VCF-style: chr3-169121142-G-T. GRCh37 (hg19) VCF-style: chr3-168838930-G-T.
Other names: c.677C>A, p.Ala226Glu (NM_001105077.4); c.482C>A, p.Ala161Glu (NM_001105078.4, NM_001164000.2, NM_001205194.2 and 5 more transcripts); c.485C>A, p.Ala162Glu (NM_001163999.2, NM_001366467.2, NM_001366468.2 and 1 more transcripts); c.1046C>A, p.Ala349Glu (NM_001366466.2, NM_001366473.2); short protein forms A349E, A162E, A161E, A226E.
Identifiers: ClinVar variation 2708067 (VCV002708067.3), dbSNP rs2549444837, ClinGen allele CA355066194.